The following is an entry in ClinVar:

ClinVar aggregate classification (germline): Uncertain significance (1 of 4 stars; one submission).

Conditions:
Usher syndrome type 3B. Also called: USHER SYNDROME, TYPE IIIB. Identifiers: MedGen C3281066, MONDO:0013788, OMIM 614504.

Allele frequency attached by ClinVar (database versions not stated): gnomAD exomes below 0.00001.
gnomAD v4.1: 2 of 1,612,582 alleles (0.00012%); highest among the groups gnomAD compares: Non-Finnish European, 0.00017%; no homozygotes.

Submission:

Labcorp Genetics (formerly Invitae), Labcorp
Classification: Uncertain significance for Usher syndrome type 3B. Last evaluated: 2022-03-15. Review status: criteria provided, single submitter. Criteria: Invitae Variant Classification Sherloc (09022015). Collection method: clinical testing. Allele origin: germline.
Comment: In summary, the available evidence is currently insufficient to determine the role of this variant in disease. Therefore, it has been classified as a Variant of Uncertain Significance. Algorithms developed to predict the effect of missense changes on protein structure and function output the following: SIFT: "Tolerated"; PolyPhen-2: "Benign"; Align-GVGD: "Class C0". The lysine amino acid residue is found in multiple mammalian species, which suggests that this missense change does not adversely affect protein function. This variant has not been reported in the literature in individuals affected with HARS-related conditions. This variant is not present in population databases (gnomAD no frequency). This sequence change replaces arginine, which is basic and polar, with lysine, which is basic and polar, at codon 500 of the HARS protein (p.Arg500Lys).

NM_002109.6(HARS1):c.1499G>A (p.Arg500Lys)

Gene: HARS1 (histidyl-tRNA synthetase 1; minus strand). Cytogenetic location: 5q31.3.
Variant type: single nucleotide variant.
Coding change: c.1499G>A on transcript NM_002109.6 (MANE Select); coding-DNA position 1499, G replaced by A.
Protein change: p.Arg500Lys; replaces arginine 500 with lysine.
Molecular consequence: missense variant.
Genome position (GRCh38, 1-based): chr5:140,674,288, C>T on the plus strand (G>A on the coding strand, the complement: HARS1 is on the minus strand). VCF-style: chr5-140674288-C-T. GRCh37 (hg19) VCF-style: chr5-140053873-C-T.
Other names: c.1379G>A, p.Arg460Lys (NM_001258040.3); c.1439G>A, p.Arg480Lys (NM_001258041.3); c.1319G>A, p.Arg440Lys (NM_001258042.3); c.1277G>A, p.Arg426Lys (NM_001289092.2); c.1157G>A, p.Arg386Lys (NM_001289093.2); c.1412G>A, p.Arg471Lys (NM_001289094.2); short protein forms R440K, R460K, R471K, R500K, R426K, R480K, R386K.
Identifiers: ClinVar variation 1897353 (VCV001897353.5), dbSNP rs2481227218, ClinGen allele CA361245543.